The following is an entry in ClinVar:

ClinVar aggregate classification (germline): Likely pathogenic. Review status: criteria provided, multiple submitters, no conflicts (2 of 4 stars). 2 submissions from 2 submitters: Likely pathogenic (2). Last evaluated 2023-11-13.

Conditions:
Fanconi anemia (FA). Also called: Fanconi's anemia. Identifiers: Orphanet 84, MedGen C0015625, MeSH D005199, MONDO:0019391.
Fanconi anemia complementation group A (FANCA). Also called: FANCA-Related Fanconi Anemia; Fanconi anemia, group A. Identifiers: Orphanet 84, MedGen C3469521, MONDO:0009215, OMIM 227650.

Allele frequency attached by ClinVar (database versions not stated): gnomAD exomes below 0.00001.
gnomAD v4.1: 1 of 1,610,806 alleles (0.000062%); highest among the groups gnomAD compares: South Asian, 0.0011%; no homozygotes.

Submissions (2):

Baylor Genetics
Classification: Likely pathogenic for Fanconi anemia complementation group A. Last evaluated: 2023-11-13. Review status: criteria provided, single submitter. Criteria: ACMG Guidelines, 2015. Collection method: clinical testing. Allele origin: unknown.

Labcorp Genetics (formerly Invitae), Labcorp
Classification: Likely pathogenic for Fanconi anemia. Last evaluated: 2022-01-18. Review status: criteria provided, single submitter. Criteria: Invitae Variant Classification Sherloc (09022015). Collection method: clinical testing. Allele origin: germline.
Comment: In summary, the currently available evidence indicates that the variant is pathogenic, but additional data are needed to prove that conclusively. Therefore, this variant has been classified as Likely Pathogenic. Algorithms developed to predict the effect of sequence changes on RNA splicing suggest that this variant may disrupt the consensus splice site. ClinVar contains an entry for this variant (Variation ID: 653259). This variant has not been reported in the literature in individuals affected with FANCA-related conditions. This variant is not present in population databases (gnomAD no frequency). This sequence change affects a donor splice site in intron 21 of the FANCA gene. It is expected to disrupt RNA splicing. Variants that disrupt the donor or acceptor splice site typically lead to a loss of protein function (PMID: 16199547), and loss-of-function variants in FANCA are known to be pathogenic (PMID: 19367192).

Literature cited by the submitters: PubMed 16199547 (cited by Labcorp Genetics (formerly Invitae), Labcorp); PubMed 19367192 (cited by Labcorp Genetics (formerly Invitae), Labcorp).

NM_000135.4(FANCA):c.1900+1G>T

Gene: FANCA (FA complementation group A; minus strand). Cytogenetic location: 16q24.3.
Variant type: single nucleotide variant.
Coding change: c.1900+1G>T on transcript NM_000135.4 (MANE Select); the canonical splice donor site of the intron after coding-DNA position 1900, G replaced by T.
Molecular consequence: splice donor variant.
Genome position (GRCh38, 1-based): chr16:89,775,741, C>A on the plus strand (G>T on the coding strand, the complement: FANCA is on the minus strand). VCF-style: chr16-89775741-C-A. GRCh37 (hg19) VCF-style: chr16-89842149-C-A.
Other names: c.1900+1G>T (NM_001286167.3).
Identifiers: ClinVar variation 653259 (VCV000653259.9), dbSNP rs1598120768, ClinGen allele CA397451756.
Genomic context (GRCh38, chr16:89,775,741, plus strand): 5'-TCAAGGTTAGGAAAATGGAAAAGCACAAGTCCCAGAGTGGACAAGCGGCCCAGGAACTTA[C>A]CTTCTGGCTTCTCTTCAGCAGCAGAGCAGGCCTGGCAGTAGGTGGAGTACAGAGATGGGG-3'